The following is an entry in ClinVar:

NM_006904.7(PRKDC):c.1632T>G (p.Ile544Met)

Gene: PRKDC (protein kinase, DNA-activated, catalytic subunit; minus strand). Cytogenetic location: 8q11.21.
Variant type: single nucleotide variant.
Coding change: c.1632T>G on transcript NM_006904.7 (MANE Select); coding-DNA position 1632, T replaced by G.
Protein change: p.Ile544Met; replaces isoleucine 544 with methionine.
Molecular consequence: missense variant.
Genome position (GRCh38, 1-based): chr8:47,933,164, A>C on the plus strand (T>G on the coding strand, the complement: PRKDC is on the minus strand). VCF-style: chr8-47933164-A-C. GRCh37 (hg19) VCF-style: chr8-48845724-A-C.
Other names: c.1632T>G, p.Ile544Met (NM_001081640.2); short protein forms I544M.
Identifiers: ClinVar variation 1776866 (VCV001776866.2), dbSNP rs1278605656, ClinGen allele CA371165209.
Genomic context (GRCh38, chr8:47,933,164, plus strand): 5'-AAGTAAATGATTCAGACTTTCACTGGAGGAATTCACAGAGAAAAATGCTTCATCTGCTAA[A>C]ATAGAATCCTTTAAATAAAGAAAAACAATAAACTTCAAAATCTTGTGCAAAAATGTATTA-3'
Protein context (NP_008835.5, residues 534-554): LLSSDQMMDS[Ile544Met]LADEAFFSVN

ClinVar aggregate classification (germline): Uncertain significance (1 of 4 stars; one submission).

Allele frequency attached by ClinVar (database versions not stated): gnomAD exomes below 0.00001; gnomAD 0.00001; TOPMed 0.00002.
gnomAD v4.1: 2 of 1,513,986 alleles (0.00013%); highest among the groups gnomAD compares: African/African-American, 0.0028%; no homozygotes.

Submission:

Ambry Genetics
Classification: Uncertain significance. Last evaluated: 2021-06-23. Review status: criteria provided, single submitter. Criteria: Ambry Variant Classification Scheme 2023. Collection method: clinical testing. Allele origin: germline.
Comment: The p.I544M variant (also known as c.1632T>G), located in coding exon 16 of the PRKDC gene, results from a T to G substitution at nucleotide position 1632. The isoleucine at codon 544 is replaced by methionine, an amino acid with highly similar properties. This amino acid position is conserved. In addition, this alteration is predicted to be tolerated by in silico analysis. Since supporting evidence is limited at this time, the clinical significance of this alteration remains unclear.